The following is an entry in ClinVar:

NM_001165963.4(SCN1A):c.3167A>G (p.Asn1056Ser)

Genes: SCN1A (sodium voltage-gated channel alpha subunit 1; minus strand), LOC102724058 (uncharacterized LOC102724058; plus strand). Cytogenetic location: 2q24.3.
Variant type: single nucleotide variant.
Coding change: c.3167A>G on transcript NM_001165963.4 (MANE Select); coding-DNA position 3167, A replaced by G.
Protein change: p.Asn1056Ser; replaces asparagine 1056 with serine.
Molecular consequence: missense variant. On other transcripts: non-coding transcript variant (2).
Genome position (GRCh38, 1-based): chr2:166,036,310, T>C on the plus strand (A>G on the coding strand, the complement: SCN1A is on the minus strand). VCF-style: chr2-166036310-T-C. GRCh37 (hg19) VCF-style: chr2-166892820-T-C.
Other names: c.3083A>G, p.Asn1028Ser (NM_001165964.3, NM_001353957.2, NM_001353958.2); c.3167A>G, p.Asn1056Ser (NM_001202435.3, NM_001353948.2); c.3134A>G, p.Asn1045Ser (NM_001353949.2, NM_001353950.2, NM_001353951.2 and 2 more transcripts); c.3131A>G, p.Asn1044Ser (NM_001353954.2, NM_001353955.2); c.3080A>G, p.Asn1027Ser (NM_001353960.2); c.725A>G, p.Asn242Ser (NM_001353961.2); short protein forms N1028S, N1045S, N242S, N1027S, N1044S, N1056S.
Identifiers: ClinVar variation 1898946 (VCV001898946.5), dbSNP rs2468078534, ClinGen allele CA349059705.

ClinVar aggregate classification (germline): Uncertain significance (1 of 4 stars; one submission).

Conditions:
Early-infantile DEE. Also called: Ohtahara syndrome; Early infantile epileptic encephalopathy; Early infantile epileptic encephalopathy with suppression bursts. Identifiers: Orphanet 1934, MedGen C0393706, MONDO:0800491.

Allele frequency attached by ClinVar (database versions not stated): gnomAD exomes below 0.00001.
gnomAD v4.1: 2 of 1,613,724 alleles (0.00012%); highest among the groups gnomAD compares: Non-Finnish European, 0.00017%; no homozygotes.

Submission:

Labcorp Genetics (formerly Invitae), Labcorp
Classification: Uncertain significance for Early-infantile DEE. Last evaluated: 2022-05-29. Review status: criteria provided, single submitter. Criteria: Invitae Variant Classification Sherloc (09022015). Collection method: clinical testing. Allele origin: germline.
Comment: This sequence change replaces asparagine, which is neutral and polar, with serine, which is neutral and polar, at codon 1056 of the SCN1A protein (p.Asn1056Ser). This variant is not present in population databases (gnomAD no frequency). This variant has not been reported in the literature in individuals affected with SCN1A-related conditions. Advanced modeling of protein sequence and biophysical properties (such as structural, functional, and spatial information, amino acid conservation, physicochemical variation, residue mobility, and thermodynamic stability) performed at Invitae indicates that this missense variant is not expected to disrupt SCN1A protein function. In summary, the available evidence is currently insufficient to determine the role of this variant in disease. Therefore, it has been classified as a Variant of Uncertain Significance.